The following is an entry in ClinVar:

ClinVar aggregate classification (germline): Uncertain significance. Review status: criteria provided, multiple submitters, no conflicts (2 of 4 stars). 3 submissions from 3 submitters: Uncertain significance (3). Last evaluated 2024-08-28.

Conditions:
Inborn genetic diseases. Identifiers: MedGen C0950123, MeSH D030342.
Charcot-Marie-Tooth disease type 2. Also called: Charcot-Marie-Tooth type 2. Identifiers: Orphanet 64746, MedGen C0270914, MONDO:0018993.

Allele frequency attached by ClinVar (database versions not stated): TOPMed below 0.00001; gnomAD exomes 0.00001.
gnomAD v4.1: 7 of 1,608,290 alleles (0.00044%); highest among the groups gnomAD compares: African/African-American, 0.0027%; no homozygotes.

Submissions (3):

Ambry Genetics
Classification: Uncertain significance for Inborn genetic diseases. Last evaluated: 2024-08-28. Review status: criteria provided, single submitter. Criteria: Ambry Variant Classification Scheme 2023. Collection method: clinical testing. Allele origin: germline.

GeneDx
Classification: Uncertain significance. Last evaluated: 2022-07-15. Review status: criteria provided, single submitter. Criteria: GeneDx Variant Classification Process June 2021. Collection method: clinical testing. Allele origin: germline. Affected: yes.
Comment: Not observed at significant frequency in large population cohorts (gnomAD); In silico analysis supports that this missense variant does not alter protein structure/function; Has not been previously published as pathogenic or benign to our knowledge

Labcorp Genetics (formerly Invitae), Labcorp
Classification: Uncertain significance for Charcot-Marie-Tooth disease type 2. Last evaluated: 2021-08-13. Review status: criteria provided, single submitter. Criteria: Invitae Variant Classification Sherloc (09022015). Collection method: clinical testing. Allele origin: germline.
Comment: This sequence change replaces glycine with glutamic acid at codon 600 of the MED25 protein (p.Gly600Glu). The glycine residue is weakly conserved and there is a moderate physicochemical difference between glycine and glutamic acid. This variant is not present in population databases (ExAC no frequency). This variant has not been reported in the literature in individuals affected with MED25-related conditions. Algorithms developed to predict the effect of missense changes on protein structure and function are either unavailable or do not agree on the potential impact of this missense change (SIFT: "Deleterious"; PolyPhen-2: "Benign"; Align-GVGD: "Class C0"). In summary, the available evidence is currently insufficient to determine the role of this variant in disease. Therefore, it has been classified as a Variant of Uncertain Significance.

NM_030973.4(MED25):c.1799G>A (p.Gly600Glu)

Gene: MED25 (mediator complex subunit 25; plus strand). Cytogenetic location: 19q13.33.
Variant type: single nucleotide variant.
Coding change: c.1799G>A on transcript NM_030973.4 (MANE Select); coding-DNA position 1799, G replaced by A.
Protein change: p.Gly600Glu; replaces glycine 600 with glutamic acid.
Molecular consequence: missense variant.
Genome position (GRCh38, 1-based): chr19:49,835,779, G>A. VCF-style: chr19-49835779-G-A. GRCh37 (hg19) VCF-style: chr19-50339036-G-A.
Other names: c.1799G>A, p.Gly600Glu (NM_001378355.1); short protein forms G600E.
Identifiers: ClinVar variation 582337 (VCV000582337.8), dbSNP rs1188355950, ClinGen allele CA406919981.